The following is an entry in ClinVar:

NM_000780.4(CYP7A1):c.470T>C (p.Val157Ala)

Gene: CYP7A1 (cytochrome P450 family 7 subfamily A member 1; minus strand). Cytogenetic location: 8q12.1.
Variant type: single nucleotide variant.
Coding change: c.470T>C on transcript NM_000780.4 (MANE Select); coding-DNA position 470, T replaced by C.
Protein change: p.Val157Ala; replaces valine 157 with alanine.
Molecular consequence: missense variant.
Genome position (GRCh38, 1-based): chr8:58,497,042, A>G on the plus strand (T>C on the coding strand, the complement: CYP7A1 is on the minus strand). VCF-style: chr8-58497042-A-G. GRCh37 (hg19) VCF-style: chr8-59409601-A-G.
Other names: short protein forms V157A.
Identifiers: ClinVar variation 2188894 (VCV002188894.4), dbSNP rs752449158, ClinGen allele CA4756793.

ClinVar aggregate classification (germline): Uncertain significance (1 of 4 stars; one submission).

Allele frequency attached by ClinVar (database versions not stated): gnomAD 0.00001; gnomAD exomes 0.00001; ExAC 0.00002; TOPMed 0.00002.
gnomAD v4.1: 16 of 1,608,312 alleles (0.00099%); highest among the groups gnomAD compares: Middle Eastern, 0.016%; no homozygotes.

Submission:

Labcorp Genetics (formerly Invitae), Labcorp
Classification: Uncertain significance. Last evaluated: 2022-09-22. Review status: criteria provided, single submitter. Criteria: Invitae Variant Classification Sherloc (09022015). Collection method: clinical testing. Allele origin: germline.
Comment: Advanced modeling of protein sequence and biophysical properties (such as structural, functional, and spatial information, amino acid conservation, physicochemical variation, residue mobility, and thermodynamic stability) performed at Invitae indicates that this missense variant is not expected to disrupt CYP7A1 protein function. This variant has not been reported in the literature in individuals affected with CYP7A1-related conditions. This variant is present in population databases (rs752449158, gnomAD 0.004%). This sequence change replaces valine, which is neutral and non-polar, with alanine, which is neutral and non-polar, at codon 157 of the CYP7A1 protein (p.Val157Ala). In summary, the available evidence is currently insufficient to determine the role of this variant in disease. Therefore, it has been classified as a Variant of Uncertain Significance.